The following is an entry in ClinVar:

ClinVar aggregate classification (germline): Uncertain significance (1 of 4 stars; one submission).

Allele frequency attached by ClinVar (database versions not stated): gnomAD exomes 0.00001; gnomAD 0.00003.
gnomAD v4.1: 14 of 1,516,100 alleles (0.00092%); highest among the groups gnomAD compares: African/African-American, 0.0014%; no homozygotes.

Submission:

Labcorp Genetics (formerly Invitae), Labcorp
Classification: Uncertain significance. Last evaluated: 2025-06-17. Review status: criteria provided, single submitter. Criteria: Invitae Variant Classification Sherloc (09022015). Collection method: clinical testing. Allele origin: germline.
Comment: This sequence change falls in intron 22 of the SUCO gene. It does not directly change the encoded amino acid sequence of the SUCO protein. It affects a nucleotide within the consensus splice site. The frequency data for this variant in the population databases is considered unreliable, as metrics indicate poor data quality at this position in the gnomAD database. This variant has not been reported in the literature in individuals affected with SUCO-related conditions. ClinVar contains an entry for this variant (Variation ID: 2728036). Variants that disrupt the consensus splice site are a relatively common cause of aberrant splicing (PMID: 17576681, 9536098). Algorithms developed to predict the effect of sequence changes on RNA splicing suggest that this variant is not likely to affect RNA splicing. In summary, the available evidence is currently insufficient to determine the role of this variant in disease. Therefore, it has been classified as a Variant of Uncertain Significance.

Literature cited by the submitters: PubMed 17576681; PubMed 9536098.

NM_014283.5(SUCO):c.3266-3C>T

Gene: SUCO (SUN domain containing ossification factor; plus strand). Cytogenetic location: 1q24.3.
Variant type: single nucleotide variant.
Coding change: c.3266-3C>T on transcript NM_014283.5 (MANE Select); 3 bases into the intron before coding-DNA position 3266, C replaced by T.
Molecular consequence: intron variant.
Genome position (GRCh38, 1-based): chr1:172,608,744, C>T. VCF-style: chr1-172608744-C-T. GRCh37 (hg19) VCF-style: chr1-172577884-C-T.
Other names: c.3719-3C>T (NM_016227.4); c.1577-3C>T (NM_001282751.2); c.2153-3C>T (NM_001282750.2).
Identifiers: ClinVar variation 2728036 (VCV002728036.3), dbSNP rs1263345093, ClinGen allele CA527281711.